The following is an entry in ClinVar:

ClinVar aggregate classification (germline): Likely benign (0 of 4 stars; one submission).

Conditions:
KCNQ1-related disorder. Also called: KCNQ1-related disorders; KCNQ1-related condition. Identifiers: MedGen CN239322.

Allele frequency attached by ClinVar (database versions not stated): TOPMed 0.00008; gnomAD 0.00011; gnomAD exomes 0.00035; 1000 Genomes Project 30x 0.00047.
gnomAD v4.1: 103 of 398,472 alleles (0.026%); highest among the groups gnomAD compares: East Asian, 0.35%; no homozygotes.

Submission:

PreventionGenetics, part of Exact Sciences
Classification: Likely benign for KCNQ1-related condition. Last evaluated: 2023-07-27. Review status: no assertion criteria provided. Collection method: clinical testing. Allele origin: germline.
Comment: This variant is classified as likely benign based on ACMG/AMP sequence variant interpretation guidelines (Richards et al. 2015 PMID: 25741868, with internal and published modifications).

NM_000218.3(KCNQ1):c.1393+21709T>C

Genes: KCNQ1 (potassium voltage-gated channel subfamily Q member 1; plus strand), KCNQ1OT1 (KCNQ1 opposite strand/antisense transcript 1; minus strand). Cytogenetic location: 11p15.5.
Variant type: single nucleotide variant.
Coding change: c.1393+21709T>C on transcript NM_000218.3 (MANE Select); 21709 bases into the intron after coding-DNA position 1393, T replaced by C.
Molecular consequence: intron variant. On other transcripts: non-coding transcript variant (1).
Genome position (GRCh38, 1-based): chr11:2,610,563, T>C. VCF-style: chr11-2610563-T-C. GRCh37 (hg19) VCF-style: chr11-2631793-T-C.
Other names: c.1123+21709T>C (NM_001406837.1); c.1297+21709T>C (NM_001406836.1); c.853+21709T>C (NM_001406838.1); c.1012+21709T>C (NM_181798.2).
Identifiers: ClinVar variation 3029140 (VCV003029140.2), dbSNP rs377661735, ClinGen allele CA216356318.